The following is an entry in ClinVar:

ClinVar aggregate classification (germline): Pathogenic. Review status: criteria provided, single submitter (1 of 4 stars). 2 submissions from 2 submitters: Pathogenic (1). 1 of the submissions does not count toward it. Last evaluated 2022-03-10.

Conditions:
Channelopathy-associated congenital insensitivity to pain, autosomal recessive. Also called: Insensitivity to pain, channelopathy-associated; CONGENITAL ANALGESIA, AUTOSOMAL RECESSIVE; ASYMBOLIA FOR PAIN. Identifiers: Orphanet 88642, Orphanet 970, MedGen C1855739, MONDO:0009459, OMIM 243000.

Allele frequency attached by ClinVar (database versions not stated): gnomAD 0.00001.
gnomAD v4.1: 6 of 1,609,134 alleles (0.00037%); highest among the groups gnomAD compares: Non-Finnish European, 0.00051%; no homozygotes.

Submissions (2):

GeneDx
Classification: Pathogenic. Last evaluated: 2022-03-10. Review status: criteria provided, single submitter. Criteria: GeneDx Variant Classification Process June 2021. Collection method: clinical testing. Allele origin: germline. Affected: yes.
Comment: Nonsense variant predicted to result in protein truncation or nonsense mediated decay in a gene for which loss-of-function is a known mechanism of disease; Observed in 0.0032% (1/31396 alleles) in large population cohorts (gnomAD); This variant is associated with the following publications: (PMID: 25525159, 17597096, 25439579, 18070140, 18370847, 25309764, 32601768, 17470132)

OMIM
Classification: Pathogenic for INSENSITIVITY TO PAIN, CHANNELOPATHY-ASSOCIATED. Last evaluated: 2007-04-01. Review status: no assertion criteria provided. Collection method: literature only. Allele origin: germline. Not counted in ClinVar's aggregate classification.

Literature cited by the submitters: PubMed 17470132 (cited by OMIM).

NM_001365536.1(SCN9A):c.984C>A (p.Tyr328Ter)

Genes: SCN1A-AS1 (SCN1A and SCN9A antisense RNA 1; plus strand), SCN9A (sodium voltage-gated channel alpha subunit 9; minus strand). Cytogenetic location: 2q24.3.
Variant type: single nucleotide variant.
Coding change: c.984C>A on transcript NM_001365536.1 (MANE Select); coding-DNA position 984, C replaced by A.
Protein change: p.Tyr328Ter; replaces tyrosine 328 with a stop codon.
Molecular consequence: nonsense.
Genome position (GRCh38, 1-based): chr2:166,293,354, G>T on the plus strand (C>A on the coding strand, the complement: SCN9A is on the minus strand). VCF-style: chr2-166293354-G-T. GRCh37 (hg19) VCF-style: chr2-167149864-G-T.
Other names: c.984C>A, p.Tyr328Ter (NM_002977.4); short protein forms Y328*.
Identifiers: ClinVar variation 6363 (VCV000006363.3), dbSNP rs121908917, ClinGen allele CA118161.